The following is an entry in ClinVar:

ClinVar aggregate classification (germline): Uncertain significance (1 of 4 stars; one submission).

Conditions:
Tumor predisposition syndrome 3 (TPDS3). Also called: Melanoma, cutaneous malignant, susceptibility to, 10; Glioma susceptibility 9; LONG TELOMERE SYNDROME, POT1-RELATED; POT1 Tumor Predisposition. Identifiers: Orphanet 618, MedGen C4014476, MONDO:0014368, OMIM 615848.

Submission:

Labcorp Genetics (formerly Invitae), Labcorp
Classification: Uncertain significance for Tumor predisposition syndrome 3. Last evaluated: 2022-06-27. Review status: criteria provided, single submitter. Criteria: Invitae Variant Classification Sherloc (09022015). Collection method: clinical testing. Allele origin: germline.
Comment: In summary, the available evidence is currently insufficient to determine the role of this variant in disease. Therefore, it has been classified as a Variant of Uncertain Significance. Algorithms developed to predict the effect of sequence changes on RNA splicing suggest that this variant may disrupt the consensus splice site. This variant has not been reported in the literature in individuals affected with POT1-related conditions. This variant is not present in population databases (gnomAD no frequency). This sequence change falls in intron 8 of the POT1 gene. It does not directly change the encoded amino acid sequence of the POT1 protein.

NM_015450.3(POT1):c.547-14C>G

Gene: POT1 (protection of telomeres 1; minus strand). Cytogenetic location: 7q31.33.
Variant type: single nucleotide variant.
Coding change: c.547-14C>G on transcript NM_015450.3 (MANE Select); 14 bases into the intron before coding-DNA position 547, C replaced by G.
Molecular consequence: intron variant.
Genome position (GRCh38, 1-based): chr7:124,859,126, G>C on the plus strand (C>G on the coding strand, the complement: POT1 is on the minus strand). VCF-style: chr7-124859126-G-C. GRCh37 (hg19) VCF-style: chr7-124499180-G-C.
Other names: c.154-14C>G (NM_001042594.2).
Identifiers: ClinVar variation 2011297 (VCV002011297.4), dbSNP rs2116526919, ClinGen allele CA2580076419.